The following is an entry in ClinVar:

ClinVar aggregate classification (germline): Likely pathogenic (1 of 4 stars; one submission).

Conditions:
Hypertrophic cardiomyopathy 4. Also called: Familial hypertrophic cardiomyopathy 4. Identifiers: MedGen C1861862, MONDO:0007268, OMIM 115197.

Submission:

Juno Genomics, Hangzhou Juno Genomics, Inc
Classification: Likely pathogenic for Hypertrophic cardiomyopathy 4. Review status: criteria provided, single submitter. Criteria: ACMG Guidelines, 2015. Collection method: clinical testing. Allele origin: germline.
Comment: Null variant in a gene where loss of function (LOF) is a known mechanism of disease.;Absent from controls (or at extremely low frequency if recessive) in Genome Aggregation Database.

NM_000256.3(MYBPC3):c.2004_2007del (p.Leu669fs)

Gene: MYBPC3 (myosin binding protein C3; minus strand). Cytogenetic location: 11p11.2.
Variant type: Deletion.
Coding change: c.2004_2007del on transcript NM_000256.3 (MANE Select); coding-DNA positions 2004 to 2007, 4 bases deleted (TCTG; older notation c.2004_2007delTCTG).
Protein change: p.Leu669fs; shifts the reading frame from leucine 669.
Molecular consequence: frameshift variant.
Genome position (GRCh38, 1-based): chr11:47,339,711-47,339,714, CAGA deleted on the plus strand (TCTG on the coding strand, the reverse complement: MYBPC3 is on the minus strand); deleting any 4 consecutive bases within chr11:47,339,711-47,339,715 gives the same sequence; the c. name uses the placement nearest the transcript's 3' end. VCF-style (leftmost placement, unchanged base first): chr11-47339710-CCAGA-C. GRCh37 (hg19) VCF-style: chr11-47361261-CCAGA-C.
Other names: short protein forms L669fs.
Identifiers: ClinVar variation 5007876 (VCV005007876.2).
Genomic context (GRCh38, chr11:47,339,710, plus strand): 5'-CCTGCGTGATAGCCTTCTGCCAGATCACAGTGGGAGCAGGGTCCCCAGAGATAGGGACGT[CCAGA>C]CGTAGCTTATTTCCAGCTACAACCACAATGGTGTCTGGTATGCGGCCTGGGCAGTCCAGG-3'